The following is an entry in ClinVar:

NM_001010898.4(SLC6A17):c.717G>A (p.Gly239=)

Gene: SLC6A17 (solute carrier family 6 member 17; plus strand). Cytogenetic location: 1p13.3.
Variant type: single nucleotide variant.
Coding change: c.717G>A on transcript NM_001010898.4 (MANE Select); coding-DNA position 717, G replaced by A.
Protein change: p.Gly239=; no amino-acid change (glycine 239 retained).
Molecular consequence: synonymous variant.
Genome position (GRCh38, 1-based): chr1:110,174,924, G>A. VCF-style: chr1-110174924-G-A. GRCh37 (hg19) VCF-style: chr1-110717546-G-A.
Identifiers: ClinVar variation 3389606 (VCV003389606.14).

ClinVar aggregate classification (germline): Likely benign (1 of 4 stars; one submission).

gnomAD v4.1: 8 of 1,614,048 alleles (0.0005%); highest among the groups gnomAD compares: Non-Finnish European, 0.00068%; no homozygotes.

Submission:

CeGaT Center for Human Genetics Tuebingen
Classification: Likely benign. Last evaluated: 2024-09-01. Review status: criteria provided, single submitter. Criteria: CeGaT Center For Human Genetics Tuebingen Variant Classification Criteria Version 2. Collection method: clinical testing. Allele origin: germline. Affected: yes. Observed: 1 variant allele.
Comment: SLC6A17: BP4, BP7